The following is an entry in ClinVar:

ClinVar aggregate classification (germline): Uncertain significance. Review status: criteria provided, multiple submitters, no conflicts (2 of 4 stars). 2 submissions from 2 submitters: Uncertain significance (2). Last evaluated 2025-08-14.

Conditions:
Hypertrophic cardiomyopathy 14. Identifiers: MedGen C2750467, MONDO:0013197, OMIM 613251.
Cardiovascular phenotype. Identifiers: MedGen CN230736.

Allele frequency attached by ClinVar (database versions not stated): ExAC 0.00001.

Submissions (2):

Ambry Genetics
Classification: Uncertain significance for Cardiovascular phenotype. Last evaluated: 2025-08-14. Review status: criteria provided, single submitter. Criteria: Ambry Variant Classification Scheme 2023. Collection method: clinical testing. Allele origin: germline.

Labcorp Genetics (formerly Invitae), Labcorp
Classification: Uncertain significance for Hypertrophic cardiomyopathy 14. Last evaluated: 2023-08-25. Review status: criteria provided, single submitter. Criteria: Invitae Variant Classification Sherloc (09022015). Collection method: clinical testing. Allele origin: germline.
Comment: In summary, the available evidence is currently insufficient to determine the role of this variant in disease. Therefore, it has been classified as a Variant of Uncertain Significance. Advanced modeling of protein sequence and biophysical properties (such as structural, functional, and spatial information, amino acid conservation, physicochemical variation, residue mobility, and thermodynamic stability) performed at Invitae indicates that this missense variant is not expected to disrupt MYH6 protein function. ClinVar contains an entry for this variant (Variation ID: 1774464). This variant has not been reported in the literature in individuals affected with MYH6-related conditions. This variant is present in population databases (rs747945067, gnomAD 0.0009%). This sequence change replaces glutamic acid, which is acidic and polar, with glutamine, which is neutral and polar, at codon 508 of the MYH6 protein (p.Glu508Gln).

NM_002471.4(MYH6):c.1522G>C (p.Glu508Gln)

Gene: MYH6 (myosin heavy chain 6; minus strand). Cytogenetic location: 14q11.2.
Variant type: single nucleotide variant.
Coding change: c.1522G>C on transcript NM_002471.4 (MANE Select); coding-DNA position 1522, G replaced by C.
Protein change: p.Glu508Gln; replaces glutamic acid 508 with glutamine.
Molecular consequence: missense variant.
Genome position (GRCh38, 1-based): chr14:23,400,315, C>G on the plus strand (G>C on the coding strand, the complement: MYH6 is on the minus strand). VCF-style: chr14-23400315-C-G. GRCh37 (hg19) VCF-style: chr14-23869524-C-G.
Other names: short protein forms E508Q.
Identifiers: ClinVar variation 1774464 (VCV001774464.6), dbSNP rs747945067, ClinGen allele CA7115786.